The following is an entry in ClinVar:

ClinVar aggregate classification (germline): Likely pathogenic. Review status: criteria provided, multiple submitters, no conflicts (2 of 4 stars). 2 submissions from 2 submitters: Likely pathogenic (2). Last evaluated 2025-12-12.

Conditions:
COL4A1-related disorder. Also called: COL4A1-related condition; COL4A1-related disorders. Identifiers: MedGen CN376119, MONDO:0800461.

Submissions (2):

Victorian Clinical Genetics Services, Murdoch Childrens Research Institute
Classification: Likely pathogenic for COL4A1-related disorder. Last evaluated: 2025-12-12. Review status: criteria provided, single submitter. Criteria: ACMG Guidelines, 2015. Collection method: clinical testing. Allele origin: germline. Affected: yes.
Comment: This variant is classified as Likely pathogenic. Evidence in support of pathogenic classification: Canonical splice site variant without proven consequence on splicing (no functional evidence available); Variant is absent from gnomAD (v2, v3 and v4); This variant has limited previous evidence of pathogenicity in an unrelated individual. This variant has been classified as likely pathogenic by a clinical laboratory in ClinVar - Abnormal splicing is predicted by in silico tool and affected nucleotide is highly conserved. Additional information: This variant is heterozygous; This gene is associated with autosomal dominant disease; No published evidence of segregation with disease has been identified for this variant; No published functional evidence has been identified for this variant; No comparable splice site variants have previous evidence for pathogenicity; Loss of function is a known mechanism of disease in this gene and is associated with COL4A1-related disorder (MONDO:0800461). Glycine substitutions affecting the Gly-X-Y repeat motif are known to have a dominant-negative mechanism of disease in other collagen genes, but conclusive functional evidence of a dominant-negative mechanism in this gene is not available (PMID: 16159887, 1867713, 23225343); The condition associated with this gene has incomplete penetrance (PMID: 21625620, 30413629); Variants in this gene are known to have variable expressivity. Intra and interfamilial variation has been described in a number of affected families (PMID: 25719457).

GeneDx
Classification: Likely pathogenic. Last evaluated: 2023-02-02. Review status: criteria provided, single submitter. Criteria: GeneDx Variant Classification Process June 2021. Collection method: clinical testing. Allele origin: germline. Affected: yes.
Comment: Canonical splice site variant expected to result in aberrant splicing, although in the absence of functional evidence the actual effect of this sequence change is unknown.; Not observed at significant frequency in large population cohorts (gnomAD); Has not been previously published as pathogenic or benign to our knowledge; This variant is associated with the following publications: (PMID: 27535533)

Literature cited by the submitters: PubMed 23225343 (cited by Victorian Clinical Genetics Services, Murdoch Childrens Research Institute); PubMed 1867713 (cited by Victorian Clinical Genetics Services, Murdoch Childrens Research Institute); PubMed 21625620 (cited by Victorian Clinical Genetics Services, Murdoch Childrens Research Institute); PubMed 16159887 (cited by Victorian Clinical Genetics Services, Murdoch Childrens Research Institute); PubMed 30413629 (cited by Victorian Clinical Genetics Services, Murdoch Childrens Research Institute); PubMed 25719457 (cited by Victorian Clinical Genetics Services, Murdoch Childrens Research Institute).

NM_001845.6(COL4A1):c.1085-2A>G

Gene: COL4A1 (collagen type IV alpha 1 chain; minus strand). Cytogenetic location: 13q34.
Variant type: single nucleotide variant.
Coding change: c.1085-2A>G on transcript NM_001845.6 (MANE Select); the canonical splice acceptor site of the intron before coding-DNA position 1085, A replaced by G.
Molecular consequence: splice acceptor variant.
Genome position (GRCh38, 1-based): chr13:110,200,891, T>C on the plus strand (A>G on the coding strand, the complement: COL4A1 is on the minus strand). VCF-style: chr13-110200891-T-C. GRCh37 (hg19) VCF-style: chr13-110853238-T-C.
Other names: c.1085-2A>G (NM_001303110.2).
Identifiers: ClinVar variation 489189 (VCV000489189.7), dbSNP rs1555305593, ClinGen allele CA388724304.